The following is an entry in ClinVar:

ClinVar aggregate classification (germline): Uncertain significance. Review status: criteria provided, multiple submitters, no conflicts (2 of 4 stars). 2 submissions from 2 submitters: Uncertain significance (2). Last evaluated 2022-08-17.

Conditions:
Inborn genetic diseases. Identifiers: MedGen C0950123, MeSH D030342.
Paramyotonia congenita of Von Eulenburg. Also called: Eulenburg disease; Myotonia congenita intermittens; Von Eulenburg paramyotonia congenita; PARALYSIS PERIODICA PARAMYOTONICA; Paramyotonia Congenita. Identifiers: Orphanet 684, MedGen C0221055, MONDO:0008195, OMIM 168300. Disease mechanism: loss of function.

Allele frequency attached by ClinVar (database versions not stated): gnomAD exomes below 0.00001.
gnomAD v4.1: 2 of 1,611,628 alleles (0.00012%); highest among the groups gnomAD compares: Non-Finnish European, 0.00017%; no homozygotes.

Submissions (2):

Ambry Genetics
Classification: Uncertain significance for Inborn genetic diseases. Last evaluated: 2022-08-17. Review status: criteria provided, single submitter. Criteria: Ambry Variant Classification Scheme 2023. Collection method: clinical testing. Allele origin: germline.

MGZ Medical Genetics Center
Classification: Uncertain significance for Paramyotonia congenita of Von Eulenburg. Last evaluated: 2022-02-11. Review status: criteria provided, single submitter. Criteria: ACMG Guidelines, 2015. Collection method: clinical testing. Allele origin: germline. Affected: yes. Observed: 1 variant allele.
Comment: ACMG criteria applied: PM2_SUP, PP3

NM_000334.4(SCN4A):c.3703C>T (p.Leu1235Phe)

Genes: SCN4A (sodium voltage-gated channel alpha subunit 4; minus strand), GH-LCR (growth hormone locus control region; plus strand). Cytogenetic location: 17q23.3.
Variant type: single nucleotide variant.
Coding change: c.3703C>T on transcript NM_000334.4 (MANE Select); coding-DNA position 3703, C replaced by T.
Protein change: p.Leu1235Phe; replaces leucine 1235 with phenylalanine.
Molecular consequence: missense variant.
Genome position (GRCh38, 1-based): chr17:63,945,377, G>A on the plus strand (C>T on the coding strand, the complement: SCN4A is on the minus strand). VCF-style: chr17-63945377-G-A. GRCh37 (hg19) VCF-style: chr17-62022737-G-A.
Other names: short protein forms L1235F.
Identifiers: ClinVar variation 1709140 (VCV001709140.5), dbSNP rs1218047325, ClinGen allele CA400617709.
Genomic context (GRCh38, chr17:63,945,377, plus strand): 5'-ACCTCCATCCAGGTTCCCGGCAGGGGTGGTGGGTCACACTCACCACCTGCAGGAGGGAGA[G>A]GTAGCCCAGACCCACGTTGTCGTAGTTGACCTTGACATTGAGCCAGCGGACCTGGCCTGT-3'
Protein context (NP_000325.4, residues 1225-1245): VNYDNVGLGY[Leu1235Phe]SLLQVATFKG